The following is an entry in ClinVar:

NM_001283009.2(RTEL1):c.2038C>T (p.Gln680Ter)

Genes: RTEL1-TNFRSF6B (RTEL1-TNFRSF6B readthrough (NMD candidate); plus strand), RTEL1 (regulator of telomere elongation helicase 1; plus strand). Cytogenetic location: 20q13.33.
Variant type: single nucleotide variant.
Coding change: c.2038C>T on transcript NM_001283009.2 (MANE Select); coding-DNA position 2038, C replaced by T.
Protein change: p.Gln680Ter; replaces glutamine 680 with a stop codon.
Molecular consequence: nonsense. On other transcripts: non-coding transcript variant (1).
Genome position (GRCh38, 1-based): chr20:63,689,762, C>T. VCF-style: chr20-63689762-C-T. GRCh37 (hg19) VCF-style: chr20-62321115-C-T.
Other names: c.2110C>T (NM_032957.4); c.1369C>T, p.Gln457Ter (NM_001283010.1); c.2038C>T, p.Gln680Ter (NM_016434.4); c.2110C>T, p.Gln704Ter (NM_032957.5); short protein forms Q457*, Q704*, Q680*.
Identifiers: ClinVar variation 957069 (VCV000957069.9), dbSNP rs2090682958, ClinGen allele CA409679004.

ClinVar aggregate classification (germline): Pathogenic/Likely pathogenic. Review status: criteria provided, multiple submitters, no conflicts (2 of 4 stars). 2 submissions from 2 submitters: Pathogenic (1); Likely pathogenic (1). Last evaluated 2024-07-22.

Conditions:
Dyskeratosis congenita. Identifiers: Orphanet 1775, MedGen C0265965, MONDO:0015780.
Dyskeratosis congenita, autosomal recessive 5 (DKCB5). Identifiers: MedGen C3554656, MONDO:0014076, OMIM 615190.
Pulmonary fibrosis and/or bone marrow failure, Telomere-related, 3. Also called: PULMONARY FIBROSIS AND/OR BONE MARROW FAILURE SYNDROME, TELOMERE-RELATED, 3. Identifiers: Orphanet 2032, MedGen C4225346, MONDO:0014613, OMIM 616373.

Submissions (2):

Natera, Inc.
Classification: Likely pathogenic for Dyskeratosis congenita. Last evaluated: 2024-07-22. Review status: criteria provided, single submitter. Criteria: Natera Variant Classification Schema (03/2026). Collection method: clinical testing. Allele origin: germline.
Comment: The c.2110C>T variant in RTEL1 is a nonsense variant predicted to introduce a stop codon at amino acid 704. This variant is expected to result in nonsense mediated decay, truncation, or a dysfunctional protein product. This variant is rare in the general population with a frequency below the threshold expected for the associated phenotype(s). Given the available evidence, this variant is classified as Likely Pathogenic.

Labcorp Genetics (formerly Invitae), Labcorp
Classification: Pathogenic for Dyskeratosis congenita, autosomal recessive 5; Pulmonary fibrosis and/or bone marrow failure, Telomere-related, 3. Last evaluated: 2019-07-22. Review status: criteria provided, single submitter. Criteria: Invitae Variant Classification Sherloc (09022015). Collection method: clinical testing. Allele origin: germline.
Comment: For these reasons, this variant has been classified as Pathogenic. Loss-of-function variants in RTEL1 are known to be pathogenic (PMID: 23453664, 23959892, 25607374). Algorithms developed to predict the effect of sequence changes on RNA splicing suggest that this variant may create or strengthen a splice site, but this prediction has not been confirmed by published transcriptional studies. This variant has not been reported in the literature in individuals with RTEL1-related conditions. This variant is not present in population databases (ExAC no frequency). This sequence change creates a premature translational stop signal (p.Gln680*) in the RTEL1 gene. It is expected to result in an absent or disrupted protein product.

Literature cited by the submitters: PubMed 23453664 (cited by Labcorp Genetics (formerly Invitae), Labcorp); PubMed 23959892 (cited by Labcorp Genetics (formerly Invitae), Labcorp); PubMed 25607374 (cited by Labcorp Genetics (formerly Invitae), Labcorp).